The following is an entry in ClinVar:

NM_001042681.2(RERE):c.3974C>T (p.Pro1325Leu)

Gene: RERE (arginine-glutamic acid dipeptide repeats; minus strand). Cytogenetic location: 1p36.23.
Variant type: single nucleotide variant.
Coding change: c.3974C>T on transcript NM_001042681.2 (MANE Select); coding-DNA position 3974, C replaced by T.
Protein change: p.Pro1325Leu; replaces proline 1325 with leucine.
Molecular consequence: missense variant.
Genome position (GRCh38, 1-based): chr1:8,358,561, G>A on the plus strand (C>T on the coding strand, the complement: RERE is on the minus strand). VCF-style: chr1-8358561-G-A. GRCh37 (hg19) VCF-style: chr1-8418621-G-A.
Other names: c.2312C>T, p.Pro771Leu (NM_001042682.2); c.3974C>T, p.Pro1325Leu (NM_012102.4); short protein forms P1325L, P771L.
Identifiers: ClinVar variation 1985318 (VCV001985318.5), dbSNP rs762860426, ClinGen allele CA570926.

ClinVar aggregate classification (germline): Uncertain significance. Review status: criteria provided, multiple submitters, no conflicts (2 of 4 stars). 2 submissions from 2 submitters: Uncertain significance (2). Last evaluated 2025-01-27.

Conditions:
Neurodevelopmental disorder with or without anomalies of the brain, eye, or heart (NEDBEH). Identifiers: Orphanet 494344, MedGen C5567477, MONDO:0014857, OMIM 616975.

Allele frequency attached by ClinVar (database versions not stated): gnomAD exomes below 0.00001; TOPMed 0.00001; ExAC 0.00002.
gnomAD v4.1: 7 of 1,605,656 alleles (0.00044%); highest among the groups gnomAD compares: Admixed American, 0.0017%; no homozygotes.

Submissions (2):

Labcorp Genetics (formerly Invitae), Labcorp
Classification: Uncertain significance. Last evaluated: 2025-01-27. Review status: criteria provided, single submitter. Criteria: Invitae Variant Classification Sherloc (09022015). Collection method: clinical testing. Allele origin: germline.
Comment: This sequence change replaces proline, which is neutral and non-polar, with leucine, which is neutral and non-polar, at codon 1325 of the RERE protein (p.Pro1325Leu). The frequency data for this variant in the population databases is considered unreliable, as metrics indicate poor data quality at this position in the gnomAD database. This variant has not been reported in the literature in individuals affected with RERE-related conditions. ClinVar contains an entry for this variant (Variation ID: 1985318). Invitae Evidence Modeling of protein sequence and biophysical properties (such as structural, functional, and spatial information, amino acid conservation, physicochemical variation, residue mobility, and thermodynamic stability) has been performed for this missense variant. However, the output from this modeling did not meet the statistical confidence thresholds required to predict the impact of this variant on RERE protein function. In summary, the available evidence is currently insufficient to determine the role of this variant in disease. Therefore, it has been classified as a Variant of Uncertain Significance.

Neuberg Centre For Genomic Medicine, NCGM
Classification: Uncertain significance for Neurodevelopmental disorder with or without anomalies of the brain, eye, or heart. Last evaluated: 2023-05-20. Review status: criteria provided, single submitter. Criteria: ACMG Guidelines, 2015. Collection method: clinical testing. Allele origin: germline. Inheritance: Autosomal dominant inheritance. Affected: yes.
Comment: The observed missense variant c.3974C>T(p.Pro1325Leu) in RERE gene has not been reported previously as a pathogenic variant nor as a benign variant, to our knowledge. The c.3974C>T variant has 0.001% allele frequency in gnomAD Exomes. This variant has been submitted to the ClinVar database as Uncertain Significance. However, no details are available for independent assessment.The amino acid Proline at position 1325 is changed to a Leucine changing protein sequence and it might alter its composition and physico-chemical properties. Multiple lines of computational evidence (Polyphen, SIFT and MutationTaster) predict a damaging effect on protein structure and function for this variant.The amino acid change p.Pro1325Leu in RERE is predicted as conserved by GERP++ and PhyloP across 100 vertebrates. For these reasons, this variant has been classified as Uncertain Significance.